The following is an entry in ClinVar:

ClinVar aggregate classification (germline): Uncertain significance. Review status: criteria provided, multiple submitters, no conflicts (2 of 4 stars). 2 submissions from 2 submitters: Uncertain significance (2). Last evaluated 2022-11-08.

Conditions:
Combined oxidative phosphorylation defect type 17. Also called: Combined oxidative phosphorylation deficiency 17. Identifiers: Orphanet 369913, MedGen C3809526, MONDO:0014190, OMIM 615440.
Inborn genetic diseases. Identifiers: MedGen C0950123, MeSH D030342.

Allele frequency attached by ClinVar (database versions not stated): gnomAD exomes below 0.00001 and 0.00002; ExAC 0.00002; gnomAD 0.00004 and 0.00005.
gnomAD v4.1: 13 of 1,613,998 alleles (0.00081%); highest among the groups gnomAD compares: African/African-American, 0.0093%; no homozygotes.

Submissions (2):

Ambry Genetics
Classification: Uncertain significance for Inborn genetic diseases. Last evaluated: 2022-11-08. Review status: criteria provided, single submitter. Criteria: Ambry Variant Classification Scheme 2023. Collection method: clinical testing. Allele origin: germline.

Labcorp Genetics (formerly Invitae), Labcorp
Classification: Uncertain significance for Combined oxidative phosphorylation defect type 17. Last evaluated: 2022-05-25. Review status: criteria provided, single submitter. Criteria: Invitae Variant Classification Sherloc (09022015). Collection method: clinical testing. Allele origin: germline.
Comment: This sequence change replaces alanine, which is neutral and non-polar, with threonine, which is neutral and polar, at codon 272 of the ELAC2 protein (p.Ala272Thr). This variant is present in population databases (rs765353090, gnomAD 0.02%). This variant has not been reported in the literature in individuals affected with ELAC2-related conditions. Algorithms developed to predict the effect of missense changes on protein structure and function are either unavailable or do not agree on the potential impact of this missense change (SIFT: "Tolerated"; PolyPhen-2: "Possibly Damaging"; Align-GVGD: "Class C0"). In summary, the available evidence is currently insufficient to determine the role of this variant in disease. Therefore, it has been classified as a Variant of Uncertain Significance.

NM_018127.7(ELAC2):c.814G>A (p.Ala272Thr)

Gene: ELAC2 (elaC ribonuclease Z 2; minus strand). Cytogenetic location: 17p12.
Variant type: single nucleotide variant.
Coding change: c.814G>A on transcript NM_018127.7 (MANE Select); coding-DNA position 814, G replaced by A.
Protein change: p.Ala272Thr; replaces alanine 272 with threonine.
Molecular consequence: missense variant.
Genome position (GRCh38, 1-based): chr17:13,005,809, C>T on the plus strand (G>A on the coding strand, the complement: ELAC2 is on the minus strand). VCF-style: chr17-13005809-C-T. GRCh37 (hg19) VCF-style: chr17-12909126-C-T.
Other names: c.694G>A, p.Ala232Thr (NM_001165962.2); c.814G>A, p.Ala272Thr (NM_173717.2); c.814G>A (NM_018127.6); short protein forms A232T, A272T.
Identifiers: ClinVar variation 1484559 (VCV001484559.4), dbSNP rs765353090, ClinGen allele CA8401473.